The following is an entry in ClinVar:

ClinVar aggregate classification (germline): Uncertain significance. Review status: criteria provided, multiple submitters, no conflicts (2 of 4 stars). 2 submissions from 2 submitters: Uncertain significance (2). Last evaluated 2023-12-01.

Conditions:
Epileptic encephalopathy. Identifiers: MedGen C0543888, HP:0200134.

Allele frequency attached by ClinVar (database versions not stated): gnomAD exomes 0.00001; gnomAD 0.00004; TOPMed 0.00006.
gnomAD v4.1: 13 of 1,613,918 alleles (0.00081%); highest among the groups gnomAD compares: Admixed American, 0.017%; no homozygotes.

Submissions (2):

Ambry Genetics
Classification: Uncertain significance. Last evaluated: 2023-12-01. Review status: criteria provided, single submitter. Criteria: Ambry Variant Classification Scheme 2023. Collection method: clinical testing. Allele origin: germline.

Labcorp Genetics (formerly Invitae), Labcorp
Classification: Uncertain significance for Epileptic encephalopathy. Last evaluated: 2022-07-05. Review status: criteria provided, single submitter. Criteria: Invitae Variant Classification Sherloc (09022015). Collection method: clinical testing. Allele origin: germline.
Comment: In summary, the available evidence is currently insufficient to determine the role of this variant in disease. Therefore, it has been classified as a Variant of Uncertain Significance. Algorithms developed to predict the effect of missense changes on protein structure and function are either unavailable or do not agree on the potential impact of this missense change (SIFT: "Deleterious"; PolyPhen-2: "Benign"; Align-GVGD: "Class C0"). ClinVar contains an entry for this variant (Variation ID: 641069). This variant has not been reported in the literature in individuals affected with RYR3-related conditions. This variant is not present in population databases (gnomAD no frequency). This sequence change replaces leucine, which is neutral and non-polar, with phenylalanine, which is neutral and non-polar, at codon 3392 of the RYR3 protein (p.Leu3392Phe).

NM_001036.6(RYR3):c.10174C>T (p.Leu3392Phe)

Gene: RYR3 (ryanodine receptor 3; plus strand). Cytogenetic location: 15q14.
Variant type: single nucleotide variant.
Coding change: c.10174C>T on transcript NM_001036.6 (MANE Select); coding-DNA position 10174, C replaced by T.
Protein change: p.Leu3392Phe; replaces leucine 3392 with phenylalanine.
Molecular consequence: missense variant.
Genome position (GRCh38, 1-based): chr15:33,810,626, C>T. VCF-style: chr15-33810626-C-T. GRCh37 (hg19) VCF-style: chr15-34102827-C-T.
Other names: c.10159C>T, p.Leu3387Phe (NM_001243996.4); c.10174C>T (NM_001036.3); short protein forms L3387F, L3392F.
Identifiers: ClinVar variation 641069 (VCV000641069.9), dbSNP rs1024556759, ClinGen allele CA268564075.